The following is an entry in ClinVar:

ClinVar aggregate classification (germline): Uncertain significance (1 of 4 stars; one submission).

Submission:

CeGaT Center for Human Genetics Tuebingen
Classification: Uncertain significance. Last evaluated: 2023-04-01. Review status: criteria provided, single submitter. Criteria: CeGaT Center For Human Genetics Tuebingen Variant Classification Criteria Version 2. Collection method: clinical testing. Allele origin: germline. Affected: yes. Observed: 1 variant allele.
Comment: UPF3B: PM2

NM_080632.3(UPF3B):c.9A>C (p.Glu3Asp)

Gene: UPF3B (UPF3B regulator of nonsense mediated mRNA decay; minus strand). Cytogenetic location: Xq24.
Variant type: single nucleotide variant.
Coding change: c.9A>C on transcript NM_080632.3 (MANE Select); coding-DNA position 9, A replaced by C.
Protein change: p.Glu3Asp; replaces glutamic acid 3 with aspartic acid.
Molecular consequence: missense variant.
Genome position (GRCh38, 1-based): chrX:119,852,920, T>G on the plus strand (A>C on the coding strand, the complement: UPF3B is on the minus strand). VCF-style: chrX-119852920-T-G. GRCh37 (hg19) VCF-style: chrX-118986883-T-G.
Other names: c.9A>C, p.Glu3Asp (NM_023010.4); short protein forms E3D.
Identifiers: ClinVar variation 2571377 (VCV002571377.27), dbSNP rs2056320568, ClinGen allele CA414186055.
Genomic context (GRCh38, chrX:119,852,920, plus strand): 5'-TGTGGCCCCGGCGGGGGTTAACAGGGTTACTCGCTTCTCCTTAGGCCTGTGCTCCTTCTC[T>G]TCCTTCATGGCTACGTCCCCCGCTGAAGCGGCTTGGCCGGAACGGGGTTACCCCGGGCAC-3'
Protein context (NP_542199.1, residues 1-13): MK[Glu3Asp]EKEHRPKEKR